The following is an entry in ClinVar:

ClinVar aggregate classification (germline): Uncertain significance (1 of 4 stars; one submission).

Conditions:
Brachyolmia-amelogenesis imperfecta syndrome. Also called: PLATYSPONDYLY WITH AMELOGENESIS IMPERFECTA; Tooth agenesis, selective, 6; Dental anomalies and short stature. Identifiers: Orphanet 2899, MedGen C1832594, MONDO:0011018, OMIM 601216. Disease mechanism: loss of function.

gnomAD v4.1: 1 of 1,544,884 alleles (0.000065%); highest among the groups gnomAD compares: Non-Finnish European, 0.000087%; no homozygotes.

Submission:

Labcorp Genetics (formerly Invitae), Labcorp
Classification: Uncertain significance for Brachyolmia-amelogenesis imperfecta syndrome. Last evaluated: 2024-10-11. Review status: criteria provided, single submitter. Criteria: Invitae Variant Classification Sherloc (09022015). Collection method: clinical testing. Allele origin: germline.
Comment: This sequence change replaces phenylalanine, which is neutral and non-polar, with leucine, which is neutral and non-polar, at codon 1159 of the LTBP3 protein (p.Phe1159Leu). This variant is not present in population databases (gnomAD no frequency). This variant has not been reported in the literature in individuals affected with LTBP3-related conditions. An algorithm developed to predict the effect of missense changes on protein structure and function (PolyPhen-2) suggests that this variant is likely to be tolerated. In summary, the available evidence is currently insufficient to determine the role of this variant in disease. Therefore, it has been classified as a Variant of Uncertain Significance.

NM_001130144.3(LTBP3):c.3477C>G (p.Phe1159Leu)

Gene: LTBP3 (latent transforming growth factor beta binding protein 3; minus strand). Cytogenetic location: 11q13.1.
Variant type: single nucleotide variant.
Coding change: c.3477C>G on transcript NM_001130144.3 (MANE Select); coding-DNA position 3477, C replaced by G.
Protein change: p.Phe1159Leu; replaces phenylalanine 1159 with leucine.
Molecular consequence: missense variant.
Genome position (GRCh38, 1-based): chr11:65,539,790, G>C on the plus strand (C>G on the coding strand, the complement: LTBP3 is on the minus strand). VCF-style: chr11-65539790-G-C. GRCh37 (hg19) VCF-style: chr11-65307261-G-C.
Other names: c.2985C>G, p.Phe995Leu (NM_001164266.1); c.3336C>G, p.Phe1112Leu (NM_021070.4); short protein forms F1112L, F1159L, F995L.
Identifiers: ClinVar variation 3722067 (VCV003722067.2).
Genomic context (GRCh38, chr11:65,539,790, plus strand): 5'-CGGCGGGCACGGTCGGCATTGGGCGCCCCAGCCGCGGCCCTGGCGGCAGCAGCAGTCGTC[G>C]AAGGTGAGGGCAGGCCCGGCCAGGGGGCCAGCGCACATGCCGTCCTCTCCGCGCTGGCTC-3'
Protein context (NP_001123616.1, residues 1149-1169): AGPLAGPALT[Phe1159Leu]DDCCCRQGRG